The following is an entry in ClinVar:

NM_001184.4(ATR):c.1222A>G (p.Ile408Val)

Gene: ATR (ATR checkpoint kinase; minus strand). Cytogenetic location: 3q23.
Variant type: single nucleotide variant.
Coding change: c.1222A>G on transcript NM_001184.4 (MANE Select); coding-DNA position 1222, A replaced by G.
Protein change: p.Ile408Val; replaces isoleucine 408 with valine.
Molecular consequence: missense variant.
Genome position (GRCh38, 1-based): chr3:142,561,370, T>C on the plus strand (A>G on the coding strand, the complement: ATR is on the minus strand). VCF-style: chr3-142561370-T-C. GRCh37 (hg19) VCF-style: chr3-142280212-T-C.
Other names: c.1222A>G, p.Ile408Val (NM_001354579.2); short protein forms I408V.
Identifiers: ClinVar variation 3331806 (VCV003331806.2).

ClinVar aggregate classification (germline): Uncertain significance. Review status: criteria provided, multiple submitters, no conflicts (2 of 4 stars). 2 submissions from 2 submitters: Uncertain significance (2). Last evaluated 2024-05-04.

Conditions:
Familial cutaneous telangiectasia and oropharyngeal predisposition cancer syndrome. Identifiers: Orphanet 313846, MedGen C3281203, MONDO:0013806, OMIM 614564.
Seckel syndrome 1 (SCKL1). Also called: MICROCEPHALIC PRIMORDIAL DWARFISM I. Identifiers: Orphanet 808, MedGen C4551474, MONDO:0008869, OMIM 210600.
Inborn genetic diseases. Identifiers: MedGen C0950123, MeSH D030342.

Submissions (2):

Ambry Genetics
Classification: Uncertain significance for Inborn genetic diseases. Last evaluated: 2024-05-04. Review status: criteria provided, single submitter. Criteria: Ambry Variant Classification Scheme 2023. Collection method: clinical testing. Allele origin: germline.
Comment: The p.I408V variant (also known as c.1222A>G), located in coding exon 5 of the ATR gene, results from an A to G substitution at nucleotide position 1222. The isoleucine at codon 408 is replaced by valine, an amino acid with highly similar properties. This amino acid position is conserved. In addition, this alteration is predicted to be tolerated by in silico analysis. Based on the available evidence, the clinical significance of this variant remains unclear.

Fulgent Genetics
Classification: Uncertain significance for Seckel syndrome 1; Familial cutaneous telangiectasia and oropharyngeal predisposition cancer syndrome. Last evaluated: 2024-02-06. Review status: criteria provided, single submitter. Criteria: ACMG Guidelines, 2015. Collection method: clinical testing. Allele origin: germline.